The following is an entry in ClinVar:

ClinVar aggregate classification (germline): Likely benign. Review status: criteria provided, multiple submitters, no conflicts (2 of 4 stars). 4 submissions from 4 submitters: Likely benign (4). Last evaluated 2026-01-27.

Conditions:
Hereditary cancer-predisposing syndrome. Also called: Hereditary Cancer Syndrome; Tumor predisposition; Neoplastic Syndromes, Hereditary; Hereditary neoplastic syndrome. Identifiers: Orphanet 140162, MedGen C0027672, MeSH D009386, MONDO:0015356.
Hereditary diffuse gastric adenocarcinoma (HDGC). Also called: DIFFUSE GASTRIC AND LOBULAR BREAST CANCER SYNDROME. Identifiers: Orphanet 26106, MedGen C1708349, MONDO:0007648, OMIM 137215.

Allele frequency attached by ClinVar (database versions not stated): gnomAD exomes below 0.00001; TOPMed below 0.00001; ExAC 0.00001; gnomAD 0.00001.
gnomAD v4.1: 7 of 1,602,222 alleles (0.00044%); highest among the groups gnomAD compares: Non-Finnish European, 0.00043%; no homozygotes.

Submissions (4):

Labcorp Genetics (formerly Invitae), Labcorp
Classification: Likely benign for Hereditary diffuse gastric adenocarcinoma. Last evaluated: 2026-01-27. Review status: criteria provided, single submitter. Criteria: Invitae Variant Classification Sherloc (09022015). Collection method: clinical testing. Allele origin: germline.

Myriad Genetics, Inc.
Classification: Likely benign for Hereditary diffuse gastric adenocarcinoma. Last evaluated: 2024-09-12. Review status: criteria provided, single submitter. Criteria: Myriad Autosomal Dominant, Autosomal Recessive and X-Linked Classification Criteria (2023). Collection method: clinical testing. Allele origin: unknown.
Comment: This variant is considered likely benign. This variant is intronic and is not expected to impact mRNA splicing.

Color Diagnostics, LLC DBA Color Health
Classification: Likely benign for Hereditary cancer-predisposing syndrome. Last evaluated: 2018-12-05. Review status: criteria provided, single submitter. Criteria: ACMG Guidelines, 2015. Collection method: clinical testing. Allele origin: germline.

GeneDx
Classification: Likely benign. Last evaluated: 2017-10-30. Review status: criteria provided, single submitter. Criteria: GeneDx Variant Classification (06012015). Collection method: clinical testing. Allele origin: germline. Affected: yes.
Comment: This variant is considered likely benign or benign based on one or more of the following criteria: it is a conservative change, it occurs at a poorly conserved position in the protein, it is predicted to be benign by multiple in silico algorithms, and/or has population frequency not consistent with disease.

NM_004360.5(CDH1):c.164-16G>A

Gene: CDH1 (cadherin 1; plus strand). Cytogenetic location: 16q22.1.
Variant type: single nucleotide variant.
Coding change: c.164-16G>A on transcript NM_004360.5 (MANE Select); 16 bases into the intron before coding-DNA position 164, G replaced by A.
Molecular consequence: intron variant.
Genome position (GRCh38, 1-based): chr16:68,801,654, G>A. VCF-style: chr16-68801654-G-A. GRCh37 (hg19) VCF-style: chr16-68835557-G-A.
Other names: c.-1452-16G>A (NM_001317185.2); c.-1656-16G>A (NM_001317186.2); c.164-16G>A (NM_001317184.2, LRG_301t1).
Identifiers: ClinVar variation 513102 (VCV000513102.12), dbSNP rs756957847, ClinGen allele CA8129804.